The following is an entry in ClinVar:

ClinVar aggregate classification (germline): Uncertain significance (1 of 4 stars; one submission).

Submission:

GeneDx
Classification: Uncertain significance. Last evaluated: 2024-08-28. Review status: criteria provided, single submitter. Criteria: GeneDx Variant Classification Process June 2021. Collection method: clinical testing. Allele origin: germline. Affected: yes.
Comment: Not observed at significant frequency in large population cohorts (gnomAD); In-frame duplication of 3 amino acids in a non-repeat region; Has not been previously published as pathogenic or benign to our knowledge

NM_001693.4(ATP6V1B2):c.7_15dup (p.Ala5_Met6insLeuArgAla)

Genes: ATP6V1B2 (ATPase H+ transporting V1 subunit B2; plus strand), LOC129999955 (ATAC-STARR-seq lymphoblastoid silent region 18971; plus strand). Cytogenetic location: 8p21.3.
Variant type: Duplication.
Coding change: c.7_15dup on transcript NM_001693.4 (MANE Select); coding-DNA positions 7 to 15, 9 bases duplicated (CTGCGGGCG; older notation c.7_15dupCTGCGGGCG).
Protein change: p.Ala5_Met6insLeuArgAla.
Molecular consequence: initiator codon variant.
Genome position (GRCh38, 1-based): chr8:20,197,413-20,197,421, CTGCGGGCG duplicated; duplicating any 9 consecutive bases within chr8:20,197,409-20,197,421 gives the same sequence; the c. name uses the placement nearest the transcript's 3' end. VCF-style (leftmost placement, unchanged base first): chr8-20197408-T-TGGCGCTGCG. GRCh37 (hg19) VCF-style: chr8-20054919-T-TGGCGCTGCG.
Identifiers: ClinVar variation 3765902 (VCV003765902.1).